The following is an entry in ClinVar:

ClinVar aggregate classification (germline): Likely benign. Review status: criteria provided, multiple submitters, no conflicts (2 of 4 stars). 4 submissions from 4 submitters: Likely benign (4). Last evaluated 2026-05-01.

Conditions:
EFEMP1-related disorder. Also called: EFEMP1-related condition.

Allele frequency attached by ClinVar (database versions not stated): gnomAD exomes 0.00004 and 0.00009; ExAC 0.00007; ESP Exome Variant Server 0.00008; gnomAD 0.00011 and 0.00012; TOPMed 0.00015; 1000 Genomes Project 0.00020; 1000 Genomes Project 30x 0.00031.
gnomAD v4.1: 152 of 1,613,846 alleles (0.0094%); highest among the groups gnomAD compares: Non-Finnish European, 0.012%; no homozygotes.

Submissions (4):

CeGaT Center for Human Genetics Tuebingen
Classification: Likely benign. Last evaluated: 2026-05-01. Review status: criteria provided, single submitter. Criteria: CeGaT Center For Human Genetics Tuebingen Variant Classification Criteria Version 2. Collection method: clinical testing. Allele origin: germline. Affected: yes. Observed: 1 variant allele.
Comment: EFEMP1: BP4

PreventionGenetics, part of Exact Sciences
Classification: Likely benign for EFEMP1-related condition. Last evaluated: 2025-12-10. Review status: criteria provided, single submitter. Criteria: ACMG Guidelines, 2015. Collection method: clinical testing. Allele origin: germline.
Comment: This variant is classified as likely benign based on ACMG/AMP sequence variant interpretation guidelines (Richards et al. 2015 PMID: 25741868, with internal and published modifications).

Labcorp Genetics (formerly Invitae), Labcorp
Classification: Likely benign. Last evaluated: 2025-12-04. Review status: criteria provided, single submitter. Criteria: Invitae Variant Classification Sherloc (09022015). Collection method: clinical testing. Allele origin: germline.

Blueprint Genetics
Classification: Likely benign. Last evaluated: 2023-05-29. Review status: criteria provided, single submitter. Criteria: ACMG Guidelines, 2015. Collection method: clinical testing. Allele origin: germline.

NM_001039348.3(EFEMP1):c.18C>T (p.Phe6=)

Gene: EFEMP1 (EGF-like fibulin extracellular matrix protein 1; minus strand). Cytogenetic location: 2p16.1.
Variant type: single nucleotide variant.
Coding change: c.18C>T on transcript NM_001039348.3 (MANE Select); coding-DNA position 18, C replaced by T.
Protein change: p.Phe6=; no amino-acid change (phenylalanine 6 retained).
Molecular consequence: synonymous variant.
Genome position (GRCh38, 1-based): chr2:55,922,423, G>A on the plus strand (C>T on the coding strand, the complement: EFEMP1 is on the minus strand). VCF-style: chr2-55922423-G-A. GRCh37 (hg19) VCF-style: chr2-56149558-G-A.
Other names: c.18C>T, p.Phe6= (NM_001039349.3); c.18C>T (NM_001039348.2).
Identifiers: ClinVar variation 1083869 (VCV001083869.13), dbSNP rs182486751, ClinGen allele CA1669045.